The following is an entry in ClinVar:

ClinVar aggregate classification (germline): Conflicting classifications of pathogenicity. Review status: criteria provided, conflicting classifications (1 of 4 stars). 8 submissions from 6 submitters: Uncertain significance (3); Benign (1); Likely benign (4). Last evaluated 2025-07-30.

Conditions:
Hereditary cancer-predisposing syndrome. Also called: Hereditary neoplastic syndrome; Tumor predisposition; Neoplastic Syndromes, Hereditary; Hereditary Cancer Syndrome. Identifiers: Orphanet 140162, MedGen C0027672, MeSH D009386, MONDO:0015356.
Familial thoracic aortic aneurysm and aortic dissection (TAAD). Also called: Thoracic aortic aneurysms and dissections. Identifiers: Orphanet 91387, MedGen C4707243, MONDO:0019625.
Juvenile polyposis syndrome (JPS). Identifiers: Orphanet 2929, MedGen C0345893, MONDO:0017380, OMIM 174900.
Juvenile polyposis/hereditary hemorrhagic telangiectasia syndrome (JPHT). Also called: Juvenile Polyposis Syndrome / Hereditary Hemorrhagic Telangiectasia (JPS/HHT); JP/HHT SYNDROME; JUVENILE POLYPOSIS WITH HEREDITARY HEMORRHAGIC TELANGIECTASIA; POLYPOSIS, GENERALIZED JUVENILE, WITH PULMONARY ARTERIOVENOUS MALFORMATION; TELANGIECTASIA, HEREDITARY HEMORRHAGIC, WITH JUVENILE POLYPOSIS COLI. Identifiers: Orphanet 2929, MedGen C1832942, MONDO:0008278, OMIM 175050.
Myhre syndrome (MYHRS). Also called: LARYNGOTRACHEAL STENOSIS, ARTHROPATHY, PROGNATHISM, AND SHORT STATURE; LAPS SYNDROME. Identifiers: Orphanet 2588, MedGen C0796081, MONDO:0007688, OMIM 139210.
Generalized juvenile polyposis/juvenile polyposis coli. Also called: Juvenile polyposis coli. Identifiers: Orphanet 329971, MedGen C1868081, MONDO:0008276.

Allele frequency attached by ClinVar (database versions not stated): gnomAD exomes below 0.00001 and 0.00001; ExAC 0.00001; gnomAD 0.00001.
gnomAD v4.1: 16 of 1,613,674 alleles (0.00099%); highest among the groups gnomAD compares: Non-Finnish European, 0.0014%; no homozygotes.

Submissions (8):

Labcorp Genetics (formerly Invitae), Labcorp
Classification: Likely benign for Juvenile polyposis syndrome. Last evaluated: 2025-07-30. Review status: criteria provided, single submitter. Criteria: Invitae Variant Classification Sherloc (09022015). Collection method: clinical testing. Allele origin: germline.

Myriad Genetics, Inc.
Classification: Benign for Juvenile polyposis/hereditary hemorrhagic telangiectasia syndrome. Last evaluated: 2025-03-20. Review status: criteria provided, single submitter. Criteria: Myriad Autosomal Dominant, Autosomal Recessive and X-Linked Classification Criteria (2023). Collection method: clinical testing. Allele origin: unknown.
Comment: This variant is considered benign. This variant is a silent/synonymous amino acid change and it is not expected to impact splicing.

All of Us Research Program, National Institutes of Health
Classification: Likely benign for Juvenile polyposis/hereditary hemorrhagic telangiectasia syndrome. Last evaluated: 2024-04-16. Review status: criteria provided, single submitter. Criteria: ACMG Guidelines, 2015. Collection method: clinical testing. Allele origin: germline. Inheritance: Autosomal dominant inheritance. Observed: 1 variant allele, 1 heterozygote.
Comment: This study involves interpretation of variants in research participants for the purpose of population health screening. Participant phenotype was not available at the time of variant classification. Additional details can be found in publication PMID: 35346344, PMCID: PMC8962531

Illumina Laboratory Services, Illumina
Classification: Uncertain significance for Juvenile polyposis syndrome. Last evaluated: 2018-01-12. Review status: criteria provided, single submitter. Criteria: ICSL Variant Classification Criteria 13 December 2019. Collection method: clinical testing. Allele origin: germline.

Illumina Laboratory Services, Illumina
Classification: Uncertain significance for Juvenile polyposis/hereditary hemorrhagic telangiectasia syndrome. Last evaluated: 2018-01-12. Review status: criteria provided, single submitter. Criteria: ICSL Variant Classification Criteria 13 December 2019. Collection method: clinical testing. Allele origin: germline.

Illumina Laboratory Services, Illumina
Classification: Uncertain significance for Myhre syndrome. Last evaluated: 2018-01-12. Review status: criteria provided, single submitter. Criteria: ICSL Variant Classification Criteria 13 December 2019. Collection method: clinical testing. Allele origin: germline.

Color Diagnostics, LLC DBA Color Health
Classification: Likely benign for Hereditary cancer-predisposing syndrome. Last evaluated: 2017-05-19. Review status: criteria provided, single submitter. Criteria: ACMG Guidelines, 2015. Collection method: clinical testing. Allele origin: germline.

Ambry Genetics
Classification: Likely benign for Hereditary cancer-predisposing syndrome; Familial thoracic aortic aneurysm and aortic dissection. Last evaluated: 2016-08-22. Review status: criteria provided, single submitter. Criteria: Ambry Variant Classification Scheme 2023. Collection method: clinical testing. Allele origin: germline.

NM_005359.6(SMAD4):c.789C>T (p.Asn263=)

Gene: SMAD4 (SMAD family member 4; plus strand). Cytogenetic location: 18q21.2.
Variant type: single nucleotide variant.
Coding change: c.789C>T on transcript NM_005359.6 (MANE Select); coding-DNA position 789, C replaced by T.
Protein change: p.Asn263=; no amino-acid change (asparagine 263 retained).
Molecular consequence: synonymous variant.
Genome position (GRCh38, 1-based): chr18:51,058,341, C>T. VCF-style: chr18-51058341-C-T. GRCh37 (hg19) VCF-style: chr18-48584711-C-T.
Identifiers: ClinVar variation 484804 (VCV000484804.24), dbSNP rs763510526, ClinGen allele CA8965907.
Genomic context (GRCh38, chr18:51,058,341, plus strand): 5'-AGAAAAAAGTAGGCAGCCTTTATAAAAGCAAATTAACCCATGTGGGCCTTAATTTTTAGA[C>T]AGCACTACCACCTGGACTGGAAGTAGGACTGCACCATACACACCTAATTTGCCTCACCAC-3'
Protein context (NP_005350.1, residues 253-273): FTGQPATYHH[Asn263=]STTTWTGSRT